The following is an entry in ClinVar:

NM_025243.4(SLC19A3):c.337T>C (p.Tyr113His)

Gene: SLC19A3 (solute carrier family 19 member 3; minus strand). Cytogenetic location: 2q36.3.
Variant type: single nucleotide variant.
Coding change: c.337T>C on transcript NM_025243.4 (MANE Select); coding-DNA position 337, T replaced by C.
Protein change: p.Tyr113His; replaces tyrosine 113 with histidine.
Molecular consequence: missense variant.
Genome position (GRCh38, 1-based): chr2:227,699,378, A>G on the plus strand (T>C on the coding strand, the complement: SLC19A3 is on the minus strand). VCF-style: chr2-227699378-A-G. GRCh37 (hg19) VCF-style: chr2-228564094-A-G.
Other names: short protein forms Y113H.
Identifiers: ClinVar variation 369673 (VCV000369673.22), dbSNP rs145999922, ClinGen allele CA2149329.

ClinVar aggregate classification (germline): Conflicting classifications of pathogenicity. Review status: criteria provided, conflicting classifications (1 of 4 stars). 7 submissions from 7 submitters: Pathogenic (2); Likely pathogenic (4); Uncertain significance (1). Last evaluated 2026-06-17.

Conditions:
SLC19A3-related disorder. Also called: SLC19A3-related condition.
Biotin-responsive basal ganglia disease (BTBGD). Also called: THIAMINE METABOLISM DYSFUNCTION SYNDROME 2 (BIOTIN- AND THIAMINE-RESPONSIVE TYPE); Thiamine metabolism dysfunction syndrome 2 (biotin- or thiamine-responsive encephalopathy type 2); thiamine-responsive encephalopathy; Thiamine Transporter-2 Deficiency; Thiamine metabolism dysfunction syndrome type 2. Identifiers: Orphanet 199348, Orphanet 65284, MedGen C1843807, MONDO:0011841, OMIM 607483.

Allele frequency attached by ClinVar (database versions not stated): TOPMed 0.00003; gnomAD 0.00004 and 0.00005; gnomAD exomes 0.00004 and 0.00007; ExAC 0.00006; ESP Exome Variant Server 0.00008; 1000 Genomes Project 30x 0.00016; 1000 Genomes Project 0.00020.
gnomAD v4.1: 111 of 1,614,172 alleles (0.0069%); highest among the groups gnomAD compares: Non-Finnish European, 0.0086%; no homozygotes.

Submissions (7):

Myriad Genetics, Inc.
Classification: Uncertain significance for Biotin-responsive basal ganglia disease. Last evaluated: 2026-06-17. Review status: criteria provided, single submitter. Criteria: Myriad Autosomal Dominant, Autosomal Recessive and X-Linked Classification Criteria (2023). Collection method: clinical testing. Allele origin: unknown.
Comment: NM_025243.3(SLC19A3):c.337T>C(Y113H) is a missense variant classified as a variant of uncertain significance in the context of biotin-thiamine-responsive basal ganglia disease. Y113H has been observed in cases with relevant disease (PMID: 31440721, 34631424, 26863430, 26938784). Relevant functional assessments of this variant are not available in the literature. Y113H has been observed in referenced population frequency databases. In summary, there is insufficient evidence to classify NM_025243.3(SLC19A3):c.337T>C(Y113H) as pathogenic or benign. Please note: this variant was assessed in the context of healthy population screening.

Women's Health and Genetics/Laboratory Corporation of America, LabCorp
Classification: Pathogenic for Biotin-responsive basal ganglia disease. Last evaluated: 2025-12-02. Review status: criteria provided, single submitter. Criteria: LabCorp Variant Classification Summary - May 2015. Collection method: clinical testing. Allele origin: germline.
Comment: Variant summary: SLC19A3 c.337T>C (p.Tyr113His) results in a conservative amino acid change in the encoded protein sequence. Algorithms developed to predict the effect of missense changes on protein structure and function are either unavailable or do not agree on the potential impact of this missense change. The variant allele was found at a frequency of 4.4e-05 in 251480 control chromosomes. This frequency is not significantly higher than estimated for disease-causing variants in SLC19A3, allowing no conclusion about variant significance. c.337T>C has been observed in multiple individuals affected with biotin-thiamine-responsive basal ganglia disease/thiamine transporter dysfunction syndrome (e.g. Flones_2016, Stark_2016, Wes-Kucharska_2021). These data indicate that the variant is very likely to be associated with disease. To our knowledge, no experimental evidence demonstrating an impact on protein function has been reported. The following publications have been ascertained in the context of this evaluation (PMID: 26863430, 26938784, 34631424). ClinVar contains an entry for this variant (Variation ID: 369673). Based on the evidence outlined above, the variant was classified as pathogenic.

Labcorp Genetics (formerly Invitae), Labcorp
Classification: Pathogenic for Biotin-responsive basal ganglia disease. Last evaluated: 2025-08-21. Review status: criteria provided, single submitter. Criteria: Invitae Variant Classification Sherloc (09022015). Collection method: clinical testing. Allele origin: germline.
Comment: This sequence change replaces tyrosine, which is neutral and polar, with histidine, which is basic and polar, at codon 113 of the SLC19A3 protein (p.Tyr113His). This variant is present in population databases (rs145999922, gnomAD 0.009%). This missense change has been observed in individual(s) with early-onset progressive encephalopathy and/or thiamine transporter dysfunction syndrome (PMID: 26863430, 26938784). In at least one individual the data is consistent with being in trans (on the opposite chromosome) from a pathogenic variant. It has also been observed to segregate with disease in related individuals. ClinVar contains an entry for this variant (Variation ID: 369673). Invitae Evidence Modeling of protein sequence and biophysical properties (such as structural, functional, and spatial information, amino acid conservation, physicochemical variation, residue mobility, and thermodynamic stability) indicates that this missense variant is expected to disrupt SLC19A3 protein function with a positive predictive value of 95%. For these reasons, this variant has been classified as Pathogenic.

GeneDx
Classification: Likely pathogenic. Last evaluated: 2025-03-07. Review status: criteria provided, single submitter. Criteria: GeneDx Variant Classification Process June 2021. Collection method: clinical testing. Allele origin: germline. Affected: yes.
Comment: Not observed at significant frequency in large population cohorts (gnomAD); In silico analysis supports that this missense variant has a deleterious effect on protein structure/function; This variant is associated with the following publications: (PMID: 28696212, 28402605, 28832562, 26863430, 26938784, 29453417, 31440721, 34631424)

Fulgent Genetics
Classification: Likely pathogenic for Biotin-responsive basal ganglia disease. Last evaluated: 2022-04-19. Review status: criteria provided, single submitter. Criteria: ACMG Guidelines, 2015. Collection method: clinical testing. Allele origin: unknown.

Blueprint Genetics
Classification: Likely pathogenic for SLC19A3-related disorders. Last evaluated: 2021-06-21. Review status: criteria provided, single submitter. Criteria: ACMG Guidelines, 2015. Collection method: clinical testing. Allele origin: germline. Affected: yes. Observed: 3 variant alleles.

Victorian Clinical Genetics Services, Murdoch Childrens Research Institute
Classification: Likely pathogenic for Biotin-responsive basal ganglia disease. Last evaluated: 2014-10-08. Review status: criteria provided, single submitter. Criteria: ACMG Guidelines, 2015. Collection method: clinical testing. Allele origin: paternal. Inheritance: Autosomal recessive inheritance. Affected: yes. Observed: 2 variant alleles.
Comment: This heterozygous variant results in a substitution of a tyrosine for a histidine at amino acid position 113, NP_079519.1(SLC19A3): p.(Tyr113His). The tyrosine at this position is moderately/highly conserved and is situated in a transmembrane domain. Grantham assessment is likely deleterious due to both amino acid properties and conservation. In-silico software predicts this variant to be disease-causing. This variant has been reported in normal populations occurring at a frequency of 1 in 6500 individuals, which would be consistent with a carrier frequency for a rare recessive condition.

Literature cited by the submitters: PubMed 26863430 (cited by 3 submitters); PubMed 26938784 (cited by 4 submitters); PubMed 31440721 (cited by Myriad Genetics, Inc.); PubMed 34631424 (cited by Myriad Genetics, Inc. and Women's Health and Genetics/Laboratory Corporation of America, LabCorp).